The following is an entry in ClinVar:

ClinVar aggregate classification (germline): Uncertain significance. Review status: criteria provided, multiple submitters, no conflicts (2 of 4 stars). 2 submissions from 2 submitters: Uncertain significance (2). Last evaluated 2025-06-12.

Conditions:
Inborn genetic diseases. Identifiers: MedGen C0950123, MeSH D030342.

Allele frequency attached by ClinVar (database versions not stated): ExAC 0.00001; TOPMed 0.00006; gnomAD exomes 0.00001; gnomAD 0.00008; 1000 Genomes Project 0.00020; 1000 Genomes Project 30x 0.00031.
gnomAD v4.1: 28 of 1,602,182 alleles (0.0017%); highest among the groups gnomAD compares: African/African-American, 0.028%; no homozygotes.

Submissions (2):

Labcorp Genetics (formerly Invitae), Labcorp
Classification: Uncertain significance. Last evaluated: 2025-06-12. Review status: criteria provided, single submitter. Criteria: Invitae Variant Classification Sherloc (09022015). Collection method: clinical testing. Allele origin: germline.
Comment: This sequence change replaces alanine, which is neutral and non-polar, with threonine, which is neutral and polar, at codon 50 of the WNK4 protein (p.Ala50Thr). This variant is present in population databases (rs529976001, gnomAD 0.01%). This variant has not been reported in the literature in individuals affected with WNK4-related conditions. ClinVar contains an entry for this variant (Variation ID: 2219601). Invitae Evidence Modeling of protein sequence and biophysical properties (such as structural, functional, and spatial information, amino acid conservation, physicochemical variation, residue mobility, and thermodynamic stability) indicates that this missense variant is not expected to disrupt WNK4 protein function with a negative predictive value of 95%. In summary, the available evidence is currently insufficient to determine the role of this variant in disease. Therefore, it has been classified as a Variant of Uncertain Significance.

Ambry Genetics
Classification: Uncertain significance for Inborn genetic diseases. Last evaluated: 2021-08-02. Review status: criteria provided, single submitter. Criteria: Ambry Variant Classification Scheme 2023. Collection method: clinical testing. Allele origin: germline.

NM_032387.5(WNK4):c.148G>A (p.Ala50Thr)

Gene: WNK4 (WNK lysine deficient protein kinase 4; plus strand). Cytogenetic location: 17q21.2.
Variant type: single nucleotide variant.
Coding change: c.148G>A on transcript NM_032387.5 (MANE Select); coding-DNA position 148, G replaced by A.
Protein change: p.Ala50Thr; replaces alanine 50 with threonine.
Molecular consequence: missense variant. On other transcripts: 5 prime UTR variant (1).
Genome position (GRCh38, 1-based): chr17:42,780,846, G>A. VCF-style: chr17-42780846-G-A. GRCh37 (hg19) VCF-style: chr17-40932864-G-A.
Other names: c.-772G>A (NM_001321299.2); short protein forms A50T.
Identifiers: ClinVar variation 2219601 (VCV002219601.5), dbSNP rs529976001, ClinGen allele CA8583625.